The following is an entry in ClinVar:

ClinVar aggregate classification (germline): Uncertain significance (1 of 4 stars; one submission).

Conditions:
Tuberous sclerosis 1 (TSC1). Identifiers: Orphanet 805, MedGen C1854465, MONDO:0008612, OMIM 191100.

Submission:

Labcorp Genetics (formerly Invitae), Labcorp
Classification: Uncertain significance for Tuberous sclerosis 1. Last evaluated: 2023-12-21. Review status: criteria provided, single submitter. Criteria: Invitae Variant Classification Sherloc (09022015). Collection method: clinical testing. Allele origin: germline.
Comment: This sequence change replaces aspartic acid, which is acidic and polar, with alanine, which is neutral and non-polar, at codon 36 of the TSC1 protein (p.Asp36Ala). This variant is not present in population databases (gnomAD no frequency). This variant has not been reported in the literature in individuals affected with TSC1-related conditions. An algorithm developed to predict the effect of missense changes on protein structure and function (PolyPhen-2) suggests that this variant is likely to be tolerated. In summary, the available evidence is currently insufficient to determine the role of this variant in disease. Therefore, it has been classified as a Variant of Uncertain Significance.

NM_000368.5(TSC1):c.107A>C (p.Asp36Ala)

Gene: TSC1 (TSC complex subunit 1; minus strand). Cytogenetic location: 9q34.13.
Variant type: single nucleotide variant.
Coding change: c.107A>C on transcript NM_000368.5 (MANE Select); coding-DNA position 107, A replaced by C.
Protein change: p.Asp36Ala; replaces aspartic acid 36 with alanine.
Molecular consequence: missense variant. On other transcripts: 5 prime UTR variant (9), non-coding transcript variant (4), intron variant (9).
Genome position (GRCh38, 1-based): chr9:132,927,304, T>G on the plus strand (A>C on the coding strand, the complement: TSC1 is on the minus strand). VCF-style: chr9-132927304-T-G. GRCh37 (hg19) VCF-style: chr9-135802691-T-G.
Other names: c.107A>C, p.Asp36Ala (NM_001406598.1, NM_001406599.1, NM_001406600.1 and 21 more transcripts); c.-382A>C (NM_001406615.1, NM_001406623.1); c.-349A>C (NM_001406616.1, NM_001406624.1); c.-771A>C (NM_001406626.1, NM_001406627.1, NM_001406628.1); c.-913A>C (NM_001406629.1); c.-987A>C (NM_001406630.1); c.-153-1565A>C (NM_001406620.1, NM_001406618.1); c.-154+1463A>C (NM_001406625.1, NM_001406621.1, NM_001406617.1 and 3 more transcripts); and 1 more; short protein forms D36A.
Identifiers: ClinVar variation 2704631 (VCV002704631.3), dbSNP rs148468036, ClinGen allele CA375375240.